The following is an entry in ClinVar:

ClinVar aggregate classification (germline): Benign/Likely benign. Review status: criteria provided, multiple submitters, no conflicts (2 of 4 stars). 3 submissions from 3 submitters: Benign (1); Likely benign (2). Last evaluated 2026-09-11.

Conditions:
KIF11-related disorder. Also called: KIF11-related condition.

Allele frequency attached by ClinVar (database versions not stated): gnomAD exomes 0.00002; gnomAD 0.00003; ExAC 0.00004; TOPMed 0.00004.
gnomAD v4.1: 28 of 1,604,490 alleles (0.0017%); highest among the groups gnomAD compares: Middle Eastern, 0.066%; no homozygotes.

Submissions (3):

PreventionGenetics, part of Exact Sciences
Classification: Likely benign for KIF11-related condition. Last evaluated: 2026-09-11. Review status: criteria provided, single submitter. Criteria: ACMG Guidelines, 2015. Collection method: clinical testing. Allele origin: germline.
Comment: This variant is classified as likely benign based on ACMG/AMP sequence variant interpretation guidelines (Richards et al. 2015 PMID: 25741868, with internal and published modifications).

Labcorp Genetics (formerly Invitae), Labcorp
Classification: Benign. Last evaluated: 2024-11-13. Review status: criteria provided, single submitter. Criteria: Invitae Variant Classification Sherloc (09022015). Collection method: clinical testing. Allele origin: germline.

Blueprint Genetics
Classification: Likely benign. Last evaluated: 2024-04-04. Review status: criteria provided, single submitter. Criteria: ACMG Guidelines, 2015. Collection method: clinical testing. Allele origin: germline.

NM_004523.4(KIF11):c.105T>C (p.Ala35=)

Gene: KIF11 (kinesin family member 11; plus strand). Cytogenetic location: 10q23.33.
Variant type: single nucleotide variant.
Coding change: c.105T>C on transcript NM_004523.4 (MANE Select); coding-DNA position 105, T replaced by C.
Protein change: p.Ala35=; no amino-acid change (alanine 35 retained).
Molecular consequence: synonymous variant.
Genome position (GRCh38, 1-based): chr10:92,606,292, T>C. VCF-style: chr10-92606292-T-C. GRCh37 (hg19) VCF-style: chr10-94366049-T-C.
Other names: c.105T>C (NM_004523.3).
Identifiers: ClinVar variation 2044828 (VCV002044828.6), dbSNP rs759170504, ClinGen allele CA5603906.